The following is an entry in ClinVar:

ClinVar aggregate classification (germline): Uncertain significance (1 of 4 stars; one submission).

gnomAD v4.1: 1 of 1,614,208 alleles (0.000062%); highest among the groups gnomAD compares: Non-Finnish European, 0.000085%; no homozygotes.

Submission:

Labcorp Genetics (formerly Invitae), Labcorp
Classification: Uncertain significance. Last evaluated: 2022-04-24. Review status: criteria provided, single submitter. Criteria: Invitae Variant Classification Sherloc (09022015). Collection method: clinical testing. Allele origin: germline.
Comment: In summary, the available evidence is currently insufficient to determine the role of this variant in disease. Therefore, it has been classified as a Variant of Uncertain Significance. This sequence change affects codon 3280 of the SZT2 mRNA. It is a 'silent' change, meaning that it does not change the encoded amino acid sequence of the SZT2 protein. This variant is not present in population databases (gnomAD no frequency). This variant has not been reported in the literature in individuals affected with SZT2-related conditions. Algorithms developed to predict the effect of sequence changes on RNA splicing suggest that this variant may disrupt the consensus splice site.

NM_001365999.1(SZT2):c.10011G>A (p.Leu3337=)

Gene: SZT2 (SZT2 subunit of KICSTOR complex; plus strand). Cytogenetic location: 1p34.2.
Variant type: single nucleotide variant.
Coding change: c.10011G>A on transcript NM_001365999.1 (MANE Select); coding-DNA position 10011, G replaced by A.
Protein change: p.Leu3337=; no amino-acid change (leucine 3337 retained).
Molecular consequence: synonymous variant.
Genome position (GRCh38, 1-based): chr1:43,448,653, G>A. VCF-style: chr1-43448653-G-A. GRCh37 (hg19) VCF-style: chr1-43914324-G-A.
Other names: c.9840G>A, p.Leu3280= (NM_015284.4); c.1452G>A, p.Leu484= (NM_024547.1).
Identifiers: ClinVar variation 2130349 (VCV002130349.4), dbSNP rs777426031, ClinGen allele CA417552207.